The following is an entry in ClinVar:

NM_001349338.3(FOXP1):c.625C>T (p.Pro209Ser)

Gene: FOXP1 (forkhead box P1; minus strand). Cytogenetic location: 3p13.
Variant type: single nucleotide variant.
Coding change: c.625C>T on transcript NM_001349338.3 (MANE Select); coding-DNA position 625, C replaced by T.
Protein change: p.Pro209Ser; replaces proline 209 with serine.
Molecular consequence: missense variant. On other transcripts: non-coding transcript variant (2).
Genome position (GRCh38, 1-based): chr3:71,046,981, G>A on the plus strand (C>T on the coding strand, the complement: FOXP1 is on the minus strand). VCF-style: chr3-71046981-G-A. GRCh37 (hg19) VCF-style: chr3-71096132-G-A.
Other names: c.625C>T, p.Pro209Ser (NM_001244808.3, NM_001244810.2, NM_001244814.3 and 4 more transcripts); c.397C>T, p.Pro133Ser (NM_001244812.3); c.325C>T, p.Pro109Ser (NM_001244813.3, NM_001244815.2, NM_001349342.3 and 1 more transcripts); c.322C>T, p.Pro108Ser (NM_001349337.2, NM_001349343.3, NM_001349344.3); c.622C>T, p.Pro208Ser (NM_001349341.3); short protein forms P108S, P109S, P133S, P208S, P209S.
Identifiers: ClinVar variation 2580633 (VCV002580633.1), dbSNP rs2106973605, ClinGen allele CA353563124.

ClinVar aggregate classification (germline): Uncertain significance (1 of 4 stars; one submission).

Submission:

GeneDx
Classification: Uncertain significance. Last evaluated: 2023-03-24. Review status: criteria provided, single submitter. Criteria: GeneDx Variant Classification Process June 2021. Collection method: clinical testing. Allele origin: germline. Affected: yes.
Comment: Not observed at significant frequency in large population cohorts (gnomAD); In silico analysis supports that this missense variant has a deleterious effect on protein structure/function; Has not been previously published as pathogenic or benign to our knowledge